The following is an entry in ClinVar:

ClinVar aggregate classification (germline): Uncertain significance (1 of 4 stars; one submission).

Conditions:
Brain small vessel disease 2A, autosomal dominant. Also called: Porencephaly 2. Identifiers: Orphanet 2940, Orphanet 99810, MedGen C3280970, MONDO:0013773, OMIM 614483.

gnomAD v4.1: 1 of 1,613,884 alleles (0.000062%); highest among the groups gnomAD compares: Non-Finnish European, 0.000085%; no homozygotes.

Submission:

Dasa
Classification: Uncertain significance for porencephaly 2. Last evaluated: 2025-03-11. Review status: criteria provided, single submitter. Criteria: DASA Assertion Criteria. Collection method: clinical testing. Allele origin: germline.
Comment: NM_001846.4(COL4A2):c.1215G>T (p.Glu405Asp) is a missense variant that results in the substitution of glutamic acid with aspartic acid. This variant is rare in population databases. The currently available literature and clinical evidence are not sufficient to establish a definitive association between this variant and the reported condition. Therefore, this variant is classified as a variant of uncertain significance.

NM_001846.4(COL4A2):c.1215G>T (p.Glu405Asp)

Gene: COL4A2 (collagen type IV alpha 2 chain; plus strand). Cytogenetic location: 13q34.
Variant type: single nucleotide variant.
Coding change: c.1215G>T on transcript NM_001846.4 (MANE Select); coding-DNA position 1215, G replaced by T.
Protein change: p.Glu405Asp; replaces glutamic acid 405 with aspartic acid.
Molecular consequence: missense variant.
Genome position (GRCh38, 1-based): chr13:110,450,330, G>T. VCF-style: chr13-110450330-G-T. GRCh37 (hg19) VCF-style: chr13-111102677-G-T.
Other names: short protein forms E405D.
Identifiers: ClinVar variation 4882891 (VCV004882891.2).